The following is an entry in ClinVar:

ClinVar aggregate classification (germline): Uncertain significance (1 of 4 stars; one submission).

Conditions:
Neuromuscular disease caused by qualitative or quantitative defects of dysferlin. Also called: Dysferlinopathy; Qualitative or quantitative defects of dysferlin. Identifiers: Orphanet 207073, MedGen C2931687, MONDO:0016145.

Submission:

Labcorp Genetics (formerly Invitae), Labcorp
Classification: Uncertain significance for Neuromuscular disease caused by qualitative or quantitative defects of dysferlin. Last evaluated: 2021-05-18. Review status: criteria provided, single submitter. Criteria: Invitae Variant Classification Sherloc (09022015). Collection method: clinical testing. Allele origin: germline.
Comment: This sequence change replaces serine with alanine at codon 861 of the DYSF protein (p.Ser861Ala). The serine residue is moderately conserved and there is a moderate physicochemical difference between serine and alanine. This variant is not present in population databases (ExAC no frequency). This variant has not been reported in the literature in individuals with DYSF-related conditions. Advanced modeling of protein sequence and biophysical properties (such as structural, functional, and spatial information, amino acid conservation, physicochemical variation, residue mobility, and thermodynamic stability) performed at Invitae indicates that this missense variant is not expected to disrupt DYSF protein function. In summary, the available evidence is currently insufficient to determine the role of this variant in disease. Therefore, it has been classified as a Variant of Uncertain Significance.

NM_001130987.2(DYSF):c.2635T>G (p.Ser879Ala)

Gene: DYSF (dysferlin; plus strand). Cytogenetic location: 2p13.2.
Variant type: single nucleotide variant.
Coding change: c.2635T>G on transcript NM_001130987.2 (MANE Select); coding-DNA position 2635, T replaced by G.
Protein change: p.Ser879Ala; replaces serine 879 with alanine.
Molecular consequence: missense variant.
Genome position (GRCh38, 1-based): chr2:71,568,020, T>G. VCF-style: chr2-71568020-T-G. GRCh37 (hg19) VCF-style: chr2-71795150-T-G.
Other names: c.2584T>G, p.Ser862Ala (NM_001130455.2, NM_001130983.2); c.2539T>G, p.Ser847Ala (NM_001130976.2, NM_001130977.2); c.2581T>G, p.Ser861Ala (NM_001130978.2, NM_003494.4); c.2674T>G, p.Ser892Ala (NM_001130979.2); c.2632T>G, p.Ser878Ala (NM_001130980.2, NM_001130981.2); c.2677T>G, p.Ser893Ala (NM_001130982.2); c.2542T>G, p.Ser848Ala (NM_001130984.2, NM_001130986.2); c.2635T>G, p.Ser879Ala (NM_001130985.2); short protein forms S848A, S862A, S861A, S892A, S847A, S878A, S879A, S893A.
Identifiers: ClinVar variation 1949504 (VCV001949504.2), dbSNP rs2545798071, ClinGen allele CA347213603.
Genomic context (GRCh38, chr2:71,568,020, plus strand): 5'-GAGAAGGTGCCTGGCGCCCGGATGCCAGTGCAGATACGGGTCAAGCTGTGGTTTGGGCTC[T>G]CAGTGGATGAGAAGGAGTTCAACCAGTTTGCTGAGGGGAAGCTGTCTGTCTTTGCTGAAA-3'
Protein context (NP_001124459.1, residues 869-889): QIRVKLWFGL[Ser879Ala]VDEKEFNQFA